The following is an entry in ClinVar:

ClinVar aggregate classification (germline): Uncertain significance (1 of 4 stars; one submission).

Allele frequency attached by ClinVar (database versions not stated): gnomAD 0.00005; TOPMed 0.00007; ExAC 0.00013.
gnomAD v4.1: 44 of 1,613,700 alleles (0.0027%); highest among the groups gnomAD compares: East Asian, 0.078%; no homozygotes.

Submissions (2):

Labcorp Genetics (formerly Invitae), Labcorp
Classification: Uncertain significance. Last evaluated: 2022-07-06. Review status: criteria provided, single submitter. Criteria: Invitae Variant Classification Sherloc (09022015). Collection method: clinical testing. Allele origin: germline.
Comment: This sequence change falls in intron 3 of the YARS2 gene. It does not directly change the encoded amino acid sequence of the YARS2 protein. It affects a nucleotide within the consensus splice site. This variant is present in population databases (rs372669844, gnomAD 0.08%). This variant has not been reported in the literature in individuals affected with YARS2-related conditions. Variants that disrupt the consensus splice site are a relatively common cause of aberrant splicing (PMID: 17576681, 9536098). Algorithms developed to predict the effect of sequence changes on RNA splicing suggest that this variant may create or strengthen a splice site. In summary, the available evidence is currently insufficient to determine the role of this variant in disease. Therefore, it has been classified as a Variant of Uncertain Significance.

Dr. Peter K. Rogan Lab, Western University
No classification provided (evidence only). Condition: Gastric cancer. Review status: no classification provided. Collection method: in vitro. Allele origin: not applicable. Functional consequence: retained intron. Not counted in ClinVar's aggregate classification.

Literature cited by the submitters: PubMed 17576681 (cited by Labcorp Genetics (formerly Invitae), Labcorp); PubMed 9536098 (cited by Labcorp Genetics (formerly Invitae), Labcorp).

NM_001040436.3(YARS2):c.1103+3A>G

Gene: YARS2 (tyrosyl-tRNA synthetase 2; minus strand). Cytogenetic location: 12p11.21.
Variant type: single nucleotide variant.
Coding change: c.1103+3A>G on transcript NM_001040436.3 (MANE Select); 3 bases into the intron after coding-DNA position 1103, A replaced by G.
Molecular consequence: intron variant.
Genome position (GRCh38, 1-based): chr12:32,750,716, T>C on the plus strand (A>G on the coding strand, the complement: YARS2 is on the minus strand). VCF-style: chr12-32750716-T-C. GRCh37 (hg19) VCF-style: chr12-32903650-T-C.
Identifiers: ClinVar variation 2419256 (VCV002419256.4), dbSNP rs372669844, ClinGen allele CA6508001.